The following is an entry in ClinVar:

ClinVar aggregate classification (germline): Uncertain significance. Review status: criteria provided, single submitter (1 of 4 stars). 2 submissions from 2 submitters: Uncertain significance (1). 1 of the submissions does not count toward it. Last evaluated 2025-06-16.

Conditions:
PKD1-related disorder. Also called: PKD1-related condition.
Inborn genetic diseases. Identifiers: MedGen C0950123, MeSH D030342.

Submissions (2):

Ambry Genetics
Classification: Uncertain significance for Inborn genetic diseases. Last evaluated: 2025-06-16. Review status: criteria provided, single submitter. Criteria: Ambry Variant Classification Scheme 2023. Collection method: clinical testing. Allele origin: germline.

PreventionGenetics, part of Exact Sciences
Classification: Uncertain significance for PKD1-related condition. Last evaluated: 2024-07-03. Review status: no assertion criteria provided. Collection method: clinical testing. Allele origin: germline. Not counted in ClinVar's aggregate classification.
Comment: The PKD1 c.6613G>A variant is predicted to result in the amino acid substitution p.Ala2205Thr. To our knowledge, this variant has not been reported in the literature or in a large population database, indicating this variant is rare. At this time, the clinical significance of this variant is uncertain due to the absence of conclusive functional and genetic evidence.

NM_001009944.3(PKD1):c.6613G>A (p.Ala2205Thr)

Gene: PKD1 (polycystin 1, transient receptor potential channel interacting; minus strand). Cytogenetic location: 16p13.3.
Variant type: single nucleotide variant.
Coding change: c.6613G>A on transcript NM_001009944.3 (MANE Select); coding-DNA position 6613, G replaced by A.
Protein change: p.Ala2205Thr; replaces alanine 2205 with threonine.
Molecular consequence: missense variant.
Genome position (GRCh38, 1-based): chr16:2,108,554, C>T on the plus strand (G>A on the coding strand, the complement: PKD1 is on the minus strand). VCF-style: chr16-2108554-C-T. GRCh37 (hg19) VCF-style: chr16-2158555-C-T.
Other names: c.6613G>A, p.Ala2205Thr (NM_000296.4); c.6613G>A (NM_000296.3); short protein forms A2205T.
Identifiers: ClinVar variation 3356302 (VCV003356302.2).